The following is an entry in ClinVar:

NM_001183.6(ATP6AP1):c.528GCT[1] (p.Leu178del)

Gene: ATP6AP1 (ATPase H+ transporting accessory protein 1; plus strand). Cytogenetic location: Xq28.
Variant type: Microsatellite.
Coding change: c.528GCT[1] on transcript NM_001183.6 (MANE Select); one copy of the 3-base unit GCT starting at c.528; the reference has two copies in a row; one copy, 3 bases deleted.
Protein change: p.Leu178del; deletes leucine 178.
Molecular consequence: inframe deletion.
Genome position (GRCh38, 1-based): chrX:154,432,433-154,432,435, GCT deleted; deleting any 3 consecutive bases within chrX:154,432,428-154,432,435 gives the same sequence; the position shown is the placement nearest the transcript's 3' end. VCF-style (leftmost placement, unchanged base first): chrX-154432427-TCTG-T. GRCh37 (hg19) VCF-style: chrX-153660773-TCTG-T.
Other names: c.531_533delGCT (NM_001183.5); short protein forms L178del.
Identifiers: ClinVar variation 2857480 (VCV002857480.4), dbSNP rs2523017841, ClinGen allele CA2739273892.

ClinVar aggregate classification (germline): Uncertain significance. Review status: criteria provided, multiple submitters, no conflicts (2 of 4 stars). 2 submissions from 2 submitters: Uncertain significance (2). Last evaluated 2025-12-10.

Conditions:
ATP6AP1-related disorder. Also called: ATP6AP1-related disorders; ATP6AP1-related condition.

Submissions (2):

Labcorp Genetics (formerly Invitae), Labcorp
Classification: Uncertain significance. Last evaluated: 2025-12-10. Review status: criteria provided, single submitter. Criteria: Invitae Variant Classification Sherloc (09022015). Collection method: clinical testing. Allele origin: germline.
Comment: This variant, c.531_533del, results in the deletion of 1 amino acid(s) of the ATP6AP1 protein (p.Leu178del), but otherwise preserves the integrity of the reading frame. This variant is not present in population databases (gnomAD no frequency). This variant has been observed in individual(s) with clinical features of ATP6AP1-related immunodeficiency (internal data). Experimental studies and prediction algorithms are not available or were not evaluated, and the functional significance of this variant is currently unknown. In summary, the available evidence is currently insufficient to determine the role of this variant in disease. Therefore, it has been classified as a Variant of Uncertain Significance.

PreventionGenetics, part of Exact Sciences
Classification: Uncertain significance for ATP6AP1-related condition. Last evaluated: 2025-05-27. Review status: criteria provided, single submitter. Criteria: ACMG Guidelines, 2015. Collection method: clinical testing. Allele origin: germline.
Comment: The ATP6AP1 c.531_533delGCT variant is predicted to result in an in-frame deletion (p.Leu178del). To our knowledge, this variant has not been reported in the literature or in a large population database (gnomAD), indicating this variant is rare. At this time, the clinical significance of this variant is uncertain due to the absence of conclusive functional and genetic evidence.